The following is an entry in ClinVar:

ClinVar aggregate classification (germline): Likely benign (1 of 4 stars; one submission).

Conditions:
SMPD1-related disorder. Also called: SMPD1-related condition.

gnomAD v4.1: 2 of 1,614,094 alleles (0.00012%); highest among the groups gnomAD compares: Non-Finnish European, 0.00017%; 1 homozygote.

Submission:

PreventionGenetics, part of Exact Sciences
Classification: Likely benign for SMPD1-related condition. Last evaluated: 2026-07-16. Review status: criteria provided, single submitter. Criteria: ACMG Guidelines, 2015. Collection method: clinical testing. Allele origin: germline.
Comment: This variant is classified as likely benign based on ACMG/AMP sequence variant interpretation guidelines (Richards et al. 2015 PMID: 25741868, with internal and published modifications).

NM_000543.5(SMPD1):c.807C>A (p.Ala269=)

Gene: SMPD1 (sphingomyelin phosphodiesterase 1; plus strand). Cytogenetic location: 11p15.4.
Variant type: single nucleotide variant.
Coding change: c.807C>A on transcript NM_000543.5 (MANE Select); coding-DNA position 807, C replaced by A.
Protein change: p.Ala269=; no amino-acid change (alanine 269 retained).
Molecular consequence: synonymous variant. On other transcripts: 5 prime UTR variant (1), non-coding transcript variant (1).
Genome position (GRCh38, 1-based): chr11:6,391,872, C>A. VCF-style: chr11-6391872-C-A. GRCh37 (hg19) VCF-style: chr11-6413102-C-A.
Other names: c.804C>A, p.Ala268= (NM_001007593.3); c.807C>A, p.Ala269= (NM_001318087.2, NM_001365135.2); c.-155C>A (NM_001318088.2).
Identifiers: ClinVar variation 4994154 (VCV004994154.1).
Genomic context (GRCh38, chr11:6,391,872, plus strand): 5'-CAGCAAGTGTGACCTGCCCCTGAGGACCCTGGAGAGCCTGTTGAGTGGGCTGGGCCCAGC[C>A]GGCCCTTTTGATATGGTGTACTGGACAGGAGACATCCCCGCACATGATGTCTGGCACCAG-3'
Protein context (NP_000534.3, residues 259-279): LESLLSGLGP[Ala269=]GPFDMVYWTG